The following is an entry in ClinVar:

NM_001164508.2(NEB):c.6827G>T (p.Trp2276Leu)

Gene: NEB (nebulin; minus strand). Cytogenetic location: 2q23.3.
Variant type: single nucleotide variant.
Coding change: c.6827G>T on transcript NM_001164508.2 (MANE Select); coding-DNA position 6827, G replaced by T.
Protein change: p.Trp2276Leu; replaces tryptophan 2276 with leucine.
Molecular consequence: missense variant.
Genome position (GRCh38, 1-based): chr2:151,654,080, C>A on the plus strand (G>T on the coding strand, the complement: NEB is on the minus strand). VCF-style: chr2-151654080-C-A. GRCh37 (hg19) VCF-style: chr2-152510594-C-A.
Other names: c.6827G>T (NM_004543.4); c.6827G>T, p.Trp2276Leu (NM_001164507.2, NM_001271208.2, NM_004543.5); short protein forms W2276L.
Identifiers: ClinVar variation 2171400 (VCV002171400.11), dbSNP rs373246130, ClinGen allele CA1909986.

ClinVar aggregate classification (germline): Conflicting classifications of pathogenicity. Review status: criteria provided, conflicting classifications (1 of 4 stars). 4 submissions from 4 submitters: Uncertain significance (3); Benign (1). Last evaluated 2025-12-21.

Conditions:
Nemaline myopathy 2 (NEM2). Also called: Nemaline myopathy 2, autosomal recessive. Identifiers: MedGen C1850569, MONDO:0009725, OMIM 256030.
Inborn genetic diseases. Identifiers: MedGen C0950123, MeSH D030342.

Allele frequency attached by ClinVar (database versions not stated): ExAC 0.00002; gnomAD 0.00006; ESP Exome Variant Server 0.00008; TOPMed 0.00008; 1000 Genomes Project 30x 0.00016; 1000 Genomes Project 0.00020.
gnomAD v4.1: 14 of 1,606,422 alleles (0.00087%); highest among the groups gnomAD compares: African/African-American, 0.017%; no homozygotes.

Submissions (4):

Labcorp Genetics (formerly Invitae), Labcorp
Classification: Benign for Nemaline myopathy 2. Last evaluated: 2025-12-21. Review status: criteria provided, single submitter. Criteria: Invitae Variant Classification Sherloc (09022015). Collection method: clinical testing. Allele origin: germline.

Ambry Genetics
Classification: Uncertain significance for Inborn genetic diseases. Last evaluated: 2025-05-20. Review status: criteria provided, single submitter. Criteria: Ambry Variant Classification Scheme 2023. Collection method: clinical testing. Allele origin: germline.

GeneDx
Classification: Uncertain significance. Last evaluated: 2024-09-05. Review status: criteria provided, single submitter. Criteria: GeneDx Variant Classification Process June 2021. Collection method: clinical testing. Allele origin: germline. Affected: yes.
Comment: In silico analysis supports that this missense variant has a deleterious effect on protein structure/function; Has not been previously published as pathogenic or benign to our knowledge

Revvity Omics, Revvity
Classification: Uncertain significance. Last evaluated: 2020-09-09. Review status: criteria provided, single submitter. Criteria: ACMG Guidelines, 2015. Collection method: clinical testing. Allele origin: germline.